The following is an entry in ClinVar:

NM_000038.6(APC):c.2220del (p.Asn741fs)

Gene: APC (APC regulator of Wnt signaling pathway; plus strand). Cytogenetic location: 5q22.2.
Variant type: Deletion.
Coding change: c.2220del on transcript NM_000038.6 (MANE Select); coding-DNA position 2220, one base deleted (C; older notation c.2220delC).
Protein change: p.Asn741fs; shifts the reading frame from asparagine 741.
Molecular consequence: frameshift variant.
Genome position (GRCh38, 1-based): chr5:112,837,814, C deleted; the last of 2 consecutive C bases (chr5:112,837,813-112,837,814); deleting either gives the same sequence. VCF-style (leftmost placement, unchanged base first): chr5-112837812-GC-G. GRCh37 (hg19) VCF-style: chr5-112173509-GC-G.
Other names: c.2220del, p.Asn741fs (NM_001127510.3, NM_001354895.2); c.2166del, p.Asn723fs (NM_001127511.3); c.2274del, p.Asn759fs (NM_001354896.2); c.2250del, p.Asn751fs (NM_001354897.2); c.2145del, p.Asn716fs (NM_001354898.2); c.2136del, p.Asn713fs (NM_001354899.2); c.2097del, p.Asn700fs (NM_001354900.2); c.2043del, p.Asn682fs (NM_001354901.2); and 16 more; short protein forms N682fs, N700fs, N751fs, N759fs, N615fs, N650fs, N741fs, N458fs.
Identifiers: ClinVar variation 2022777 (VCV002022777.4), dbSNP rs2533405344, ClinGen allele CA2580072449.

ClinVar aggregate classification (germline): Pathogenic (1 of 4 stars; one submission).

Conditions:
Familial adenomatous polyposis 1 (FAP1). Also called: POLYPOSIS, ADENOMATOUS INTESTINAL; FAMILIAL ADENOMATOUS POLYPOSIS 1, ATTENUATED. Identifiers: MedGen C2713442, MONDO:0021056, OMIM 175100. Disease mechanism: loss of function.

Submission:

Labcorp Genetics (formerly Invitae), Labcorp
Classification: Pathogenic for Familial adenomatous polyposis 1. Last evaluated: 2022-08-08. Review status: criteria provided, single submitter. Criteria: Invitae Variant Classification Sherloc (09022015). Collection method: clinical testing. Allele origin: germline.
Comment: For these reasons, this variant has been classified as Pathogenic. A different truncation (p.Tyr2645Lysfs*14) that lies downstream of this variant has been determined to be pathogenic (PMID: 9824584, 1316610, 27081525, 8381579, 22135120, Invitae). This suggests that deletion of this region of the APC protein is causative of disease. This variant has not been reported in the literature in individuals affected with APC-related conditions. This variant is not present in population databases (gnomAD no frequency). This sequence change creates a premature translational stop signal (p.Asn741Ilefs*20) in the APC gene. While this is not anticipated to result in nonsense mediated decay, it is expected to disrupt the last 2103 amino acid(s) of the APC protein. This variant is expected to disrupt the EB1 and HDLG binding sites, which mediate interactions with the cytoskeleton (PMID: 15311282, 17293347). While functional studies have not been performed to directly test the effect on APC protein function, this suggests that disruption of the C-terminal portion of the protein is functionally important.

Literature cited by the submitters: PubMed 9824584; PubMed 1316610; PubMed 27081525; PubMed 8381579; PubMed 22135120; PubMed 15311282; PubMed 17293347.